The following is an entry in ClinVar:

NC_000023.10:g.(?_135104725)_(135106662_?)del

Gene: SLC9A6 (solute carrier family 9 member A6; plus strand). Cytogenetic location: Xq26.3.
Variant type: Deletion.
Identifiers: ClinVar variation 2425582 (VCV002425582.4).

ClinVar aggregate classification (germline): Pathogenic (1 of 4 stars; one submission).

Conditions:
Christianson syndrome (MRXSCH). Also called: INTELLECTUAL DEVELOPMENTAL DISORDER, X-LINKED, SYNDROMIC, CHRISTIANSON TYPE; X-linked mental retardation, syndromic, Christianson type; SLC9A6-Related Syndromic Mental Retardation. Identifiers: Orphanet 85278, MedGen C2678194, MONDO:0010278, OMIM 300243.

Submission:

Labcorp Genetics (formerly Invitae), Labcorp
Classification: Pathogenic for Christianson syndrome. Last evaluated: 2022-08-09. Review status: criteria provided, single submitter. Criteria: Invitae Variant Classification Sherloc (09022015). Collection method: clinical testing. Allele origin: germline.
Comment: This variant is a gross deletion of the genomic region encompassing exon(s) 11-12 of the SLC9A6 gene. This deletion is out-of-frame, and is expected to create a premature termination codon and result in an absent or disrupted protein product. Loss-of-function variants in SLC9A6 are known to be pathogenic (PMID: 18342287). This variant has not been reported in the literature in individuals affected with SLC9A6-related conditions. For these reasons, this variant has been classified as Pathogenic.

Literature cited by the submitters: PubMed 18342287.